The following is an entry in ClinVar:

NM_000271.5(NPC1):c.1947+6_1947+7del

Gene: NPC1 (NPC intracellular cholesterol transporter 1; minus strand). Cytogenetic location: 18q11.2.
Variant type: Deletion.
Coding change: c.1947+6_1947+7del on transcript NM_000271.5 (MANE Select); bases 6 to 7 of the intron after coding-DNA position 1947, 2 bases deleted (CC; older notation c.1947+6_1947+7delCC).
Molecular consequence: intron variant.
Genome position (GRCh38, 1-based): chr18:23,544,953-23,544,954, GG deleted on the plus strand (CC on the coding strand, the reverse complement: NPC1 is on the minus strand). VCF-style (leftmost placement, unchanged base first): chr18-23544952-CGG-C. GRCh37 (hg19) VCF-style: chr18-21124916-CGG-C.
Identifiers: ClinVar variation 1050159 (VCV001050159.1), dbSNP rs2058767020, ClinGen allele CA988384066.

ClinVar aggregate classification (germline): Uncertain significance (0 of 4 stars; one submission).

Conditions:
Niemann-Pick disease, type C1. Also called: NEUROVISCERAL STORAGE DISEASE WITH VERTICAL SUPRANUCLEAR OPHTHALMOPLEGIA; NIEMANN-PICK DISEASE WITH CHOLESTEROL ESTERIFICATION BLOCK; NIEMANN-PICK DISEASE WITHOUT SPHINGOMYELINASE DEFICIENCY; NIEMANN-PICK DISEASE, CHRONIC NEURONOPATHIC FORM; NIEMANN-PICK DISEASE, VARIANT TYPE C1. Identifiers: Orphanet 646, MedGen C3179455, MONDO:0009757, OMIM 257220.

Submission:

Department of Pathology and Laboratory Medicine, Sinai Health System
Classification: Uncertain significance for Niemann-Pick disease, type C1. Review status: no assertion criteria provided. Collection method: clinical testing. Allele origin: unknown. Affected: yes. Study: The Canadian Open Genetics Repository (COGR).
Comment: The c.1947+6_1947+7delCC variant was not identified in the literature, nor was it identified in ClinVar, LOVD, or dbSNP databases. The variant was not identified in the following control databases: the 1000 Genomes Project, the NHLBI GO Exome Sequencing Project, the Exome Aggregation Consortium (August 8th 2016), or the Genome Aggregation Database (March 6, 2019, v2.1.1). The c.1947+6_1947+7delCC variant is located in the 5' splice region but does not affect the invariant +1 and +2 positions. However, positions +3 to +6 are part of the splicing consensus sequence and variants involving these positions sometimes affect splicing. However, only 1 of 4 in silico or computational prediction software programs (SpliceSiteFinder, MaxEntScan, NNSPLICE, GeneSplicer) predict a greater than 10% difference in splicing. In summary, based on the above information the clinical significance of this variant cannot be determined with certainty at this time. This variant is classified as a variant of uncertain significance.